The following is an entry in ClinVar:

NM_001130987.2(DYSF):c.1140C>T (p.Asp380=)

Gene: DYSF (dysferlin; plus strand). Cytogenetic location: 2p13.2.
Variant type: single nucleotide variant.
Coding change: c.1140C>T on transcript NM_001130987.2 (MANE Select); coding-DNA position 1140, C replaced by T.
Protein change: p.Asp380=; no amino-acid change (aspartic acid 380 retained).
Molecular consequence: synonymous variant.
Genome position (GRCh38, 1-based): chr2:71,520,895, C>T. VCF-style: chr2-71520895-C-T. GRCh37 (hg19) VCF-style: chr2-71748025-C-T.
Other names: c.1047C>T, p.Asp349= (NM_001130455.2, NM_001130983.2, NM_001130984.2 and 1 more transcripts); c.1044C>T, p.Asp348= (NM_001130976.2, NM_001130977.2, NM_001130978.2 and 1 more transcripts); c.1137C>T, p.Asp379= (NM_001130979.2, NM_001130980.2, NM_001130981.2); c.1140C>T, p.Asp380= (NM_001130982.2, NM_001130985.2).
Identifiers: ClinVar variation 597008 (VCV000597008.20), dbSNP rs373744398, ClinGen allele CA1705613.
Genomic context (GRCh38, chr2:71,520,895, plus strand): 5'-CTTCTCTGCTGGGGCCAGAGGCTACCTGAAAACAAGCCTTTGTGTGCTGGGGCCTGGGGA[C>T]GAAGCGCCTGTGAGTACATTTCCCTGGGTCTTCCTTACGGTCCCCCACGCGGCACTTGGT-3'
Protein context (NP_001124459.1, residues 370-390): KTSLCVLGPG[Asp380=]EAPLERKDPS

ClinVar aggregate classification (germline): Conflicting classifications of pathogenicity. Review status: criteria provided, conflicting classifications (1 of 4 stars). 6 submissions from 6 submitters: Uncertain significance (1); Likely benign (4). 1 of the submissions does not count toward it. Last evaluated 2025-12-17.

Conditions:
Neuromuscular disease caused by qualitative or quantitative defects of dysferlin. Also called: Qualitative or quantitative defects of dysferlin; Dysferlinopathy. Identifiers: Orphanet 207073, MedGen C2931687, MONDO:0016145.
DYSF-related disorder. Also called: DYSF-related condition; DYSF-related disorders.

Allele frequency attached by ClinVar (database versions not stated): gnomAD 0.00014 and 0.00015; ESP Exome Variant Server 0.00015; TOPMed 0.00019.
gnomAD v4.1: 107 of 1,613,942 alleles (0.0066%); highest among the groups gnomAD compares: African/African-American, 0.032%; no homozygotes.

Submissions (6):

Labcorp Genetics (formerly Invitae), Labcorp
Classification: Likely benign for Neuromuscular disease caused by qualitative or quantitative defects of dysferlin. Last evaluated: 2025-12-17. Review status: criteria provided, single submitter. Criteria: Invitae Variant Classification Sherloc (09022015). Collection method: clinical testing. Allele origin: germline.

Blueprint Genetics
Classification: Likely benign. Last evaluated: 2024-09-05. Review status: criteria provided, single submitter. Criteria: ACMG Guidelines, 2015. Collection method: clinical testing. Allele origin: germline.

Revvity Omics, Revvity
Classification: Likely benign. Last evaluated: 2023-11-06. Review status: criteria provided, single submitter. Criteria: ACMG Guidelines, 2015. Collection method: clinical testing. Allele origin: germline.

Athena Diagnostics
Classification: Likely benign. Last evaluated: 2020-03-30. Review status: criteria provided, single submitter. Criteria: Athena Diagnostics Criteria. Collection method: clinical testing. Allele origin: unknown.

Eurofins Ntd Llc (ga)
Classification: Uncertain significance. Last evaluated: 2018-05-04. Review status: criteria provided, single submitter. Criteria: EGL ClinVar v180209 classification definitions. Collection method: clinical testing. Allele origin: germline. Observed: 1 variant allele, 1 heterozygote.

PreventionGenetics, part of Exact Sciences
Classification: Likely benign for DYSF-related condition. Last evaluated: 2021-02-10. Review status: no assertion criteria provided. Collection method: clinical testing. Allele origin: germline. Not counted in ClinVar's aggregate classification.
Comment: This variant is classified as likely benign based on ACMG/AMP sequence variant interpretation guidelines (Richards et al. 2015 PMID: 25741868, with internal and published modifications).